The following is an entry in ClinVar:

ClinVar aggregate classification (germline): Uncertain significance. Review status: criteria provided, multiple submitters, no conflicts (2 of 4 stars). 2 submissions from 2 submitters: Uncertain significance (2). Last evaluated 2023-08-08.

Conditions:
A2ML1-related disorder. Also called: A2ML1-related condition.

Allele frequency attached by ClinVar (database versions not stated): ExAC 0.00001; TOPMed 0.00001; gnomAD exomes 0.00002.
gnomAD v4.1: 27 of 1,614,188 alleles (0.0017%); highest among the groups gnomAD compares: Non-Finnish European, 0.0022%; no homozygotes.

Submissions (2):

PreventionGenetics, part of Exact Sciences
Classification: Uncertain significance for A2ML1-related condition. Last evaluated: 2023-08-08. Review status: criteria provided, single submitter. Criteria: ACMG Guidelines, 2015. Collection method: clinical testing. Allele origin: germline.
Comment: The A2ML1 c.2344G>A variant is predicted to result in the amino acid substitution p.Val782Ile. To our knowledge, this variant has not been reported in the literature. This variant is reported in 0.0026% of alleles in individuals of European (Non-Finnish) descent in gnomAD. At this time, the clinical significance of this variant is uncertain due to the absence of conclusive functional and genetic evidence.

Ambry Genetics
Classification: Uncertain significance. Last evaluated: 2022-12-01. Review status: criteria provided, single submitter. Criteria: Ambry Variant Classification Scheme 2023. Collection method: clinical testing. Allele origin: germline.
Comment: The p.V782I variant (also known as c.2344G>A), located in coding exon 19 of the A2ML1 gene, results from a G to A substitution at nucleotide position 2344. The valine at codon 782 is replaced by isoleucine, an amino acid with highly similar properties. This amino acid position is conserved. In addition, this alteration is predicted to be tolerated by in silico analysis. Since supporting evidence is limited at this time, the clinical significance of this alteration remains unclear.

NM_144670.6(A2ML1):c.2344G>A (p.Val782Ile)

Gene: A2ML1 (alpha-2-macroglobulin like 1; plus strand). Cytogenetic location: 12p13.31.
Variant type: single nucleotide variant.
Coding change: c.2344G>A on transcript NM_144670.6 (MANE Select); coding-DNA position 2344, G replaced by A.
Protein change: p.Val782Ile; replaces valine 782 with isoleucine.
Molecular consequence: missense variant.
Genome position (GRCh38, 1-based): chr12:8,851,893, G>A. VCF-style: chr12-8851893-G-A. GRCh37 (hg19) VCF-style: chr12-9004489-G-A.
Other names: c.871G>A, p.Val291Ile (NM_001282424.3); c.2344G>A (NM_144670.5); short protein forms V782I, V291I.
Identifiers: ClinVar variation 2449329 (VCV002449329.3), dbSNP rs774189555, ClinGen allele CA6435995.